The following is an entry in ClinVar:

NM_001394073.1(HS6ST2):c.89G>T (p.Arg30Leu)

Gene: HS6ST2 (heparan sulfate 6-O-sulfotransferase 2; minus strand). Cytogenetic location: Xq26.2.
Variant type: single nucleotide variant.
Coding change: c.89G>T on transcript NM_001394073.1 (MANE Select); coding-DNA position 89, G replaced by T.
Protein change: p.Arg30Leu; replaces arginine 30 with leucine.
Molecular consequence: missense variant.
Genome position (GRCh38, 1-based): chrX:132,958,514, C>A on the plus strand (G>T on the coding strand, the complement: HS6ST2 is on the minus strand). VCF-style: chrX-132958514-C-A. GRCh37 (hg19) VCF-style: chrX-132092542-C-A.
Other names: c.89G>T, p.Arg30Leu (NM_001077188.2, NM_001394074.1, NM_147175.4); short protein forms R30L.
Identifiers: ClinVar variation 2563888 (VCV002563888.26), dbSNP rs769385715, ClinGen allele CA10519712.

ClinVar aggregate classification (germline): Conflicting classifications of pathogenicity. Review status: criteria provided, conflicting classifications (1 of 4 stars). 2 submissions from 2 submitters: Uncertain significance (1); Likely benign (1). Last evaluated 2023-04-07.

gnomAD v4.1: 272 of 1,187,783 alleles (0.023%); highest among the groups gnomAD compares: Non-Finnish European, 0.019%; no homozygotes.

Submissions (2):

Ambry Genetics
Classification: Uncertain significance. Last evaluated: 2023-04-07. Review status: criteria provided, single submitter. Criteria: Ambry Variant Classification Scheme 2023. Collection method: clinical testing. Allele origin: germline.

CeGaT Center for Human Genetics Tuebingen
Classification: Likely benign. Last evaluated: 2023-01-01. Review status: criteria provided, single submitter. Criteria: CeGaT Center For Human Genetics Tuebingen Variant Classification Criteria Version 2. Collection method: clinical testing. Allele origin: germline. Affected: yes. Observed: 1 variant allele.
Comment: HS6ST2: BS2